The following is an entry in ClinVar:

NM_023083.4(CAPN10):c.1350A>T (p.Ala450=)

Gene: CAPN10 (calpain 10; plus strand). Cytogenetic location: 2q37.3.
Variant type: single nucleotide variant.
Coding change: c.1350A>T on transcript NM_023083.4 (MANE Select); coding-DNA position 1350, A replaced by T.
Protein change: p.Ala450=; no amino-acid change (alanine 450 retained).
Molecular consequence: synonymous variant. On other transcripts: intron variant (1).
Genome position (GRCh38, 1-based): chr2:240,596,390, A>T. VCF-style: chr2-240596390-A-T. GRCh37 (hg19) VCF-style: chr2-241535807-A-T.
Other names: c.1278+1086A>T (NM_023085.4).
Identifiers: ClinVar variation 3044646 (VCV003044646.2), dbSNP rs918695213, ClinGen allele CA68132310.

ClinVar aggregate classification (germline): Likely benign (0 of 4 stars; one submission).

Conditions:
CAPN10-related disorder. Also called: CAPN10-related disorders; CAPN10-related condition.

Allele frequency attached by ClinVar (database versions not stated): gnomAD 0.00001; TOPMed 0.00002.
gnomAD v4.1: 79 of 1,613,250 alleles (0.0049%); highest among the groups gnomAD compares: Non-Finnish European, 0.0063%; no homozygotes.

Submission:

PreventionGenetics, part of Exact Sciences
Classification: Likely benign for CAPN10-related condition. Last evaluated: 2019-06-06. Review status: no assertion criteria provided. Collection method: clinical testing. Allele origin: germline.
Comment: This variant is classified as likely benign based on ACMG/AMP sequence variant interpretation guidelines (Richards et al. 2015 PMID: 25741868, with internal and published modifications).